The following is an entry in ClinVar:

NM_001371596.2(MFSD8):c.1039G>A (p.Val347Ile)

Gene: MFSD8 (major facilitator superfamily domain containing 8; minus strand). Cytogenetic location: 4q28.2.
Variant type: single nucleotide variant.
Coding change: c.1039G>A on transcript NM_001371596.2 (MANE Select); coding-DNA position 1039, G replaced by A.
Protein change: p.Val347Ile; replaces valine 347 with isoleucine.
Molecular consequence: missense variant.
Genome position (GRCh38, 1-based): chr4:127,921,923, C>T on the plus strand (G>A on the coding strand, the complement: MFSD8 is on the minus strand). VCF-style: chr4-127921923-C-T. GRCh37 (hg19) VCF-style: chr4-128843078-C-T.
Other names: c.838G>A, p.Val280Ile (NM_001363520.3); c.724G>A, p.Val242Ile (NM_001363521.3); c.904G>A, p.Val302Ile (NM_001371590.2); c.1039G>A, p.Val347Ile (NM_001371591.2, NM_152778.4); c.1045G>A, p.Val349Ile (NM_001371592.2); c.925G>A, p.Val309Ile (NM_001371593.2); c.892G>A, p.Val298Ile (NM_001371594.2); c.757G>A, p.Val253Ile (NM_001371595.1); and 1 more; short protein forms V197I, V347I, V349I, V280I, V309I, V242I, V253I, V298I.
Identifiers: ClinVar variation 1914627 (VCV001914627.5), dbSNP rs774629940, ClinGen allele CA358171951.
Genomic context (GRCh38, chr4:127,921,923, plus strand): 5'-CCCACTGTATTTTGGGAAATTGATTTCCCCAAGGTAACAAGATAAAGAAGCCAACCCATA[C>T]AACGATGAGTCCTCCCAGTAGAATAGCACGCTCGCCAATCCTGTTAAAGAACAGAAACTC-3'
Protein context (NP_001358525.1, residues 337-357): RAILLGGLIV[Val347Ile]WVGFFILLPW

ClinVar aggregate classification (germline): Uncertain significance (1 of 4 stars; one submission).

Conditions:
Neuronal ceroid lipofuscinosis 7 (CLN7). Also called: MFSD8-Related Neuronal Ceroid-Lipofuscinosis. Identifiers: Orphanet 168491, Orphanet 228366, MedGen C1838571, MONDO:0012588, OMIM 610951.

Submission:

Labcorp Genetics (formerly Invitae), Labcorp
Classification: Uncertain significance for Neuronal ceroid lipofuscinosis 7. Last evaluated: 2023-05-22. Review status: criteria provided, single submitter. Criteria: Invitae Variant Classification Sherloc (09022015). Collection method: clinical testing. Allele origin: germline.
Comment: In summary, the available evidence is currently insufficient to determine the role of this variant in disease. Therefore, it has been classified as a Variant of Uncertain Significance. This sequence change replaces valine, which is neutral and non-polar, with isoleucine, which is neutral and non-polar, at codon 347 of the MFSD8 protein (p.Val347Ile). This variant is not present in population databases (gnomAD no frequency). This variant has not been reported in the literature in individuals affected with MFSD8-related conditions. ClinVar contains an entry for this variant (Variation ID: 1914627). Advanced modeling of protein sequence and biophysical properties (such as structural, functional, and spatial information, amino acid conservation, physicochemical variation, residue mobility, and thermodynamic stability) performed at Invitae indicates that this missense variant is not expected to disrupt MFSD8 protein function.